The following is an entry in ClinVar:

NM_152564.5(VPS13B):c.3464C>T (p.Thr1155Met)

Gene: VPS13B (vacuolar protein sorting 13 homolog B; plus strand). Cytogenetic location: 8q22.2.
Variant type: single nucleotide variant.
Coding change: c.3464C>T on transcript NM_152564.5 (MANE Select); coding-DNA position 3464, C replaced by T.
Protein change: p.Thr1155Met; replaces threonine 1155 with methionine.
Molecular consequence: missense variant.
Genome position (GRCh38, 1-based): chr8:99,467,432, C>T. VCF-style: chr8-99467432-C-T. GRCh37 (hg19) VCF-style: chr8-100479660-C-T.
Other names: c.3464C>T, p.Thr1155Met (NM_017890.5); c.3464C>T (NM_152564.4); short protein forms T1155M.
Identifiers: ClinVar variation 1306031 (VCV001306031.5), dbSNP rs758040462, ClinGen allele CA4823257.

ClinVar aggregate classification (germline): Uncertain significance. Review status: criteria provided, multiple submitters, no conflicts (2 of 4 stars). 3 submissions from 3 submitters: Uncertain significance (2). 1 of the submissions does not count toward it. Last evaluated 2022-07-14.

Conditions:
VPS13B-related disorder. Also called: VPS13B-related condition.
Cohen syndrome (COH1). Also called: PEPPER SYNDROME; Cutis verticis gyrata, retinitis pigmentosa, and sensorineural deafness. Identifiers: Orphanet 193, MedGen C0265223, MONDO:0008999, OMIM 216550.

Allele frequency attached by ClinVar (database versions not stated): gnomAD 0.00001; ExAC 0.00002; gnomAD exomes 0.00002 and 0.00004.
gnomAD v4.1: 30 of 1,613,490 alleles (0.0019%); highest among the groups gnomAD compares: Middle Eastern, 0.033%; no homozygotes.

Submissions (3):

GeneDx
Classification: Uncertain significance. Last evaluated: 2022-07-14. Review status: criteria provided, single submitter. Criteria: GeneDx Variant Classification Process June 2021. Collection method: clinical testing. Allele origin: germline. Affected: yes.
Comment: Not observed at significant frequency in large population cohorts (gnomAD); In silico analysis supports that this missense variant has a deleterious effect on protein structure/function; Has not been previously published as pathogenic or benign to our knowledge

Labcorp Genetics (formerly Invitae), Labcorp
Classification: Uncertain significance for Cohen syndrome. Last evaluated: 2021-09-17. Review status: criteria provided, single submitter. Criteria: Invitae Variant Classification Sherloc (09022015). Collection method: clinical testing. Allele origin: germline.
Comment: This sequence change replaces threonine with methionine at codon 1155 of the VPS13B protein (p.Thr1155Met). The threonine residue is moderately conserved and there is a moderate physicochemical difference between threonine and methionine. This variant is present in population databases (rs758040462, ExAC 0.01%). This variant has not been reported in the literature in individuals affected with VPS13B-related conditions. Algorithms developed to predict the effect of missense changes on protein structure and function are either unavailable or do not agree on the potential impact of this missense change (SIFT: "Not Available"; PolyPhen-2: "Probably Damaging"; Align-GVGD: "Not Available"). In summary, the available evidence is currently insufficient to determine the role of this variant in disease. Therefore, it has been classified as a Variant of Uncertain Significance.

PreventionGenetics, part of Exact Sciences
Classification: Uncertain significance for VPS13B-related condition. Last evaluated: 2024-03-04. Review status: no assertion criteria provided. Collection method: clinical testing. Allele origin: germline. Not counted in ClinVar's aggregate classification.
Comment: The VPS13B c.3464C>T variant is predicted to result in the amino acid substitution p.Thr1155Met. To our knowledge, this variant has not been reported in the literature. This variant is reported in 0.012% of alleles in individuals of African descent in gnomAD. At this time, the clinical significance of this variant is uncertain due to the absence of conclusive functional and genetic evidence.